The following is an entry in ClinVar:

NM_000038.6(APC):c.5333C>A (p.Pro1778His)

Gene: APC (APC regulator of Wnt signaling pathway; plus strand). Cytogenetic location: 5q22.2.
Variant type: single nucleotide variant.
Coding change: c.5333C>A on transcript NM_000038.6 (MANE Select); coding-DNA position 5333, C replaced by A.
Protein change: p.Pro1778His; replaces proline 1778 with histidine.
Molecular consequence: missense variant. On other transcripts: non-coding transcript variant (2).
Genome position (GRCh38, 1-based): chr5:112,840,927, C>A. VCF-style: chr5-112840927-C-A. GRCh37 (hg19) VCF-style: chr5-112176624-C-A.
Other names: c.5333C>A, p.Pro1778His (NM_001127510.3, NM_001354895.2, NM_001407450.1); c.5279C>A, p.Pro1760His (NM_001127511.3); c.5387C>A, p.Pro1796His (NM_001354896.2, NM_001407447.1, NM_001407448.1 and 1 more transcripts); c.5363C>A, p.Pro1788His (NM_001354897.2); c.5258C>A, p.Pro1753His (NM_001354898.2); c.5249C>A, p.Pro1750His (NM_001354899.2); c.5210C>A, p.Pro1737His (NM_001354900.2); c.5156C>A, p.Pro1719His (NM_001354901.2, NM_001407453.1); and 11 more; short protein forms P1394H, P1495H, P1618H, P1649H, P1652H, P1677H, P1687H, P1695H.
Identifiers: ClinVar variation 3230729 (VCV003230729.1), dbSNP rs952662066, ClinGen allele CA16032990.

ClinVar aggregate classification (germline): Uncertain significance (1 of 4 stars; one submission).

Conditions:
Hereditary cancer-predisposing syndrome. Also called: Neoplastic Syndromes, Hereditary; Tumor predisposition; Hereditary neoplastic syndrome; Hereditary Cancer Syndrome. Identifiers: Orphanet 140162, MedGen C0027672, MeSH D009386, MONDO:0015356.

gnomAD v4.1: 1 of 1,613,788 alleles (0.000062%); highest among the groups gnomAD compares: Non-Finnish European, 0.000085%; no homozygotes.

Submission:

Ambry Genetics
Classification: Uncertain significance for Hereditary cancer-predisposing syndrome. Last evaluated: 2023-09-20. Review status: criteria provided, single submitter. Criteria: Ambry Variant Classification Scheme 2023. Collection method: clinical testing. Allele origin: germline.
Comment: The p.P1778H variant (also known as c.5333C>A), located in coding exon 15 of the APC gene, results from a C to A substitution at nucleotide position 5333. The proline at codon 1778 is replaced by histidine, an amino acid with similar properties. This amino acid position is conserved. In addition, in silico predictors for this gene do not accurately predict pathogenicity. Since supporting evidence is limited at this time, the clinical significance of this alteration remains unclear.